The following is an entry in ClinVar:

ClinVar aggregate classification (germline): Benign (1 of 4 stars; one submission).

Allele frequency attached by ClinVar (database versions not stated): 1000 Genomes Project 30x 0.00219; 1000 Genomes Project 0.00240; TOPMed 0.00625; gnomAD 0.00650; gnomAD exomes 0.01122.
gnomAD v4.1: 10,219 of 985,464 alleles (1%); highest among the groups gnomAD compares: Non-Finnish European, 1.2%; 63 homozygotes.

Submission:

CeGaT Center for Human Genetics Tuebingen
Classification: Benign. Last evaluated: 2022-05-01. Review status: criteria provided, single submitter. Criteria: CeGaT Center For Human Genetics Tuebingen Variant Classification Criteria Version 2. Collection method: clinical testing. Allele origin: germline. Affected: yes. Observed: 1 variant allele.
Comment: DENND2B: BS1, BS2

NM_213618.2(DENND2B):c.2353-450A>C

Gene: DENND2B (DENN domain containing 2B; minus strand). Cytogenetic location: 11p15.4.
Variant type: single nucleotide variant.
Coding change: c.2353-450A>C on transcript NM_213618.2 (MANE Select); 450 bases into the intron before coding-DNA position 2353, A replaced by C.
Molecular consequence: intron variant.
Genome position (GRCh38, 1-based): chr11:8,708,304, T>G on the plus strand (A>C on the coding strand, the complement: DENND2B is on the minus strand). VCF-style: chr11-8708304-T-G. GRCh37 (hg19) VCF-style: chr11-8729851-T-G.
Other names: c.2353-450A>C (NM_005418.4, NM_001376496.1, NM_001376495.1 and 1 more transcripts); c.1093-450A>C (NM_139157.3, NM_001376501.1, NM_001376502.1); c.769-450A>C (NM_001376505.1, NM_001376506.1); c.1813-450A>C (NM_001376499.1); c.877-450A>C (NM_001376504.1); c.913-450A>C (NM_001376503.1); c.1672-450A>C (NM_001376500.1); c.1846-450A>C (NM_001376498.1).
Identifiers: ClinVar variation 2641583 (VCV002641583.24), dbSNP rs117295970, ClinGen allele CA217531164.